The following is an entry in ClinVar:

NM_000051.4(ATM):c.496+5G>A

Gene: ATM (ATM serine/threonine kinase; plus strand). Cytogenetic location: 11q22.3.
Variant type: single nucleotide variant.
Coding change: c.496+5G>A on transcript NM_000051.4 (MANE Select); 5 bases into the intron after coding-DNA position 496, G replaced by A.
Molecular consequence: intron variant.
Genome position (GRCh38, 1-based): chr11:108,235,839, G>A. VCF-style: chr11-108235839-G-A. GRCh37 (hg19) VCF-style: chr11-108106566-G-A.
Other names: IVS7, G-A, +5; c.496+5G>A (NM_001351834.2).
Identifiers: ClinVar variation 3047 (VCV000003047.41), dbSNP rs796051858, ClinGen allele CA115952.
Genomic context (GRCh38, chr11:108,235,839, plus strand): 5'-AGACATTCTTTCTGTGAGAAAATACTGGTGTGAAATATCTCAGCAACAGTGGTTAGGTAT[G>A]TTTTGAAGGTTGTTGTTTGTGAATTTTTCCTCATGAAATGAAACTTCACCAAAGAAAGCA-3'

ClinVar aggregate classification (germline): Pathogenic. Review status: reviewed by expert panel (3 of 4 stars). 14 submissions from 14 submitters: Pathogenic (1). 13 of the submissions do not count toward it. Last evaluated 2025-11-11.

Conditions:
ATM-related cancer predisposition. Also called: ATM-related cancer susceptibility. Identifiers: MedGen CN377759, MONDO:0700270.
Hereditary cancer-predisposing syndrome. Also called: Neoplastic Syndromes, Hereditary; Tumor predisposition; Hereditary Cancer Syndrome; Hereditary neoplastic syndrome. Identifiers: Orphanet 140162, MedGen C0027672, MeSH D009386, MONDO:0015356.
Hereditary breast ovarian cancer syndrome. Also called: Hereditary breast and/or ovarian cancer syndrome; Hereditary breast and ovarian cancer; Hereditary breast and ovarian cancer syndrome (HBOC); Breast and ovarian cancer; BRCA1- and BRCA2-Associated Hereditary Breast and Ovarian Cancer; Hereditary breast and ovarian cancer syndrome. Identifiers: Orphanet 145, MedGen C0677776, MeSH D061325, MONDO:0003582. Disease mechanism: loss of function.
Ataxia-telangiectasia syndrome (AT). Also called: Ataxia-telangiectasia, complementation group E; LOUIS-BAR SYNDROME; Ataxia-telangiectasia; Cerebello-oculocutaneous telangiectasia; Immunodeficiency with ataxia telangiectasia; ATAXIA-TELANGIECTASIA, FRESNO VARIANT. Identifiers: Orphanet 100, MedGen C0004135, MONDO:0008840, OMIM 208900.
Familial cancer of breast. Also called: Hereditary breast cancer; BREAST CANCER, FAMILIAL; hereditary breast carcinoma. Identifiers: Orphanet 227535, MedGen C0346153, MONDO:0016419, OMIM 114480. Disease mechanism: loss of function.
Ataxia - telangiectasia variant. Identifiers: Orphanet 370109, MedGen C1876175, MONDO:0018266.

Allele frequency attached by ClinVar (database versions not stated): gnomAD exomes below 0.00001.
gnomAD v4.1: 4 of 1,613,736 alleles (0.00025%); highest among the groups gnomAD compares: Non-Finnish European, 0.00034%; no homozygotes.

Submissions 1 to 7 of 14:

ClinGen Hereditary Breast, Ovarian and Pancreatic Cancer Variant Curation Expert Panel, ClinGen
Classification: Pathogenic for ATM-related cancer predisposition. Last evaluated: 2025-11-11. Review status: reviewed by expert panel. Criteria: ClinGen HBOP ACMG Specifications ATM V1.4.0. Collection method: curation. Allele origin: germline. Inheritance: Autosomal dominant inheritance.
Comment: The c.496+5G>A variant in ATM occurs within the splice donor region. It is predicted to cause skipping of a biologically-relevant-exon, resulting in an in-frame deletion (removes amino acids 111-166) that is predicted to escape nonsense mediated decay. This prediction is confirmed by RT-PCR analysis (PMID: 15054841, Ambry internal data). This variant has been detected in at least three unrelated individuals with Ataxia-Telangiectasia (PMID: 15054841, 19535770, GeneDx internal data). The filtering allele frequency (the upper threshold of the 95% CI of 4/1179800) of the c.496+5G>A variant in ATM is 0.0000007900 for non-Finnish European chromosomes by gnomAD v4.1.0, which is lower than the HBOP VCEP threshold (≤0.00001) for PM2_Supporting, and therefore meets this criterion. In summary, this variant meets the criteria to be classified as pathogenic for autosomal dominant ATM-related cancer predisposition and autosomal recessive Ataxia-Telangiectasia based on the ACMG/AMP criteria applied as specified by the HBOP VCEP. (PVS1_Strong[RNA], PM3_VeryStrong, PM2_Supporting)

Labcorp Genetics (formerly Invitae), Labcorp
Classification: Pathogenic for Ataxia-telangiectasia syndrome. Last evaluated: 2025-12-24. Review status: criteria provided, single submitter. Criteria: Invitae Variant Classification Sherloc (09022015). Collection method: clinical testing. Allele origin: germline. Not counted in ClinVar's aggregate classification.
Comment: This sequence change falls in intron 5 of the ATM gene. It does not directly change the encoded amino acid sequence of the ATM protein. RNA analysis indicates that this variant induces altered splicing and likely results in a shortened protein product. This variant is not present in population databases (gnomAD no frequency). This variant has been observed in individuals with ataxia-telangiectasia, endometrial cancer, and/or prostate cancer (PMID: 15054841, 19535770, 35534218, 36744932, 37438524). ClinVar contains an entry for this variant (Variation ID: 3047). Variants that disrupt the consensus splice site are a relatively common cause of aberrant splicing (PMID: 17576681, 9536098). Studies have shown that this variant results in skipping of exon 5, but is expected to preserve the integrity of the reading-frame (PMID: 15054841, 35716007; internal data). For these reasons, this variant has been classified as Pathogenic.

CeGaT Center for Human Genetics Tuebingen
Classification: Likely pathogenic. Last evaluated: 2025-09-01. Review status: criteria provided, single submitter. Criteria: CeGaT Center For Human Genetics Tuebingen Variant Classification Criteria Version 2. Collection method: clinical testing. Allele origin: germline. Affected: yes. Observed: 2 variant alleles. Not counted in ClinVar's aggregate classification.
Comment: ATM: PM2, PS4:Moderate, PVS1:Moderate

GeneDx
Classification: Likely pathogenic. Last evaluated: 2025-04-29. Review status: criteria provided, single submitter. Criteria: GeneDx Variant Classification Process June 2021. Collection method: clinical testing. Allele origin: germline. Affected: yes. Not counted in ClinVar's aggregate classification.
Comment: Observed with a second ATM variant in individuals with ataxia telangiectasia (AT) in published literature and at GeneDx (PMID: 15054841, 19535770, 37438524, 38917355); Published RNA studies demonstrate aberrant splicing, resulting in both in-frame and out-of-frame transcripts (PMID: 15054841, 35716007, 37438524); Observed in the heterozygous state in individuals with prostate or endometrial cancer (PMID: 32775946, 35534218, 36744932); Not observed at significant frequency in large population cohorts (gnomAD); In silico analysis supports a deleterious effect on splicing; This variant is associated with the following publications: (PMID: 25525159, 15054841, 16189143, 19535770, 22213089, 28126470, 31050087, 21778326, 30549301, 37438524, 35716007, 36744932, 38917355, 32775946, 35534218)

German Consortium for Hereditary Breast and Ovarian Cancer, University Hospital Cologne
Classification: Likely pathogenic for Hereditary breast ovarian cancer syndrome. Last evaluated: 2025-04-07. Review status: criteria provided, single submitter. Criteria: ClinGen ATM V1.3.0. Collection method: curation. Allele origin: germline. Not counted in ClinVar's aggregate classification.
Comment: According to the ClinGen ACMG ATM v1.3.0 criteria we chose these criteria: PVS1 (strong pathogenic): Dörk (2004, PMID: 15054841); In-frame-skipping of Exon 5 (reading frame preservation) --> Located in HEAT-domain --> PVS1_STR Ambry Genetics & Labcorp internal data suggest impact on splicing, PM2 (supporting pathogenic): 4x GnomAD v4.1.0, absent from v2.1.1/3.1.2 non-cancer AF all subpopulations <=0.001% , PM3 (medium pathogenic): Dörk (2004, PMID: 15054841): found together with c.7875_7876delTGinsGC (p.Asp2625_Ala2626delinsGluPro) --> phenotype consistent & phase unknown: 1P Verhagen (2009, PMID: 19535770): found together with c.7875_7876delTGinsGC (p.Asp2625_Ala2626delinsGluPro) --> severe variant A-T phenotype --> phenotype consistent & phase unknown: 1P

Ambry Genetics
Classification: Pathogenic for Hereditary cancer-predisposing syndrome. Last evaluated: 2025-03-18. Review status: criteria provided, single submitter. Criteria: Ambry Variant Classification Scheme 2023. Collection method: clinical testing. Allele origin: germline. Not counted in ClinVar's aggregate classification.
Comment: The c.496+5G>A intronic pathogenic mutation results from a G to A substitution 5 nucleotides after coding exon 4 in the ATM gene. Functional analysis of cDNA from the patient's lymphoblastoid cell line by D&ouml;rk T et al. revealed an in-frame deletion of coding exon 4 (described as exon 7 in the manuscript). This nucleotide position is highly conserved in available vertebrate species. In silico splice site analysis predicts that this alteration will weaken the native splice donor site. RNA studies have demonstrated that this alteration results in abnormal splicing in the set of samples tested (Ambry internal data). This variant is considered to be rare based on population cohorts in the Genome Aggregation Database (gnomAD). Based on the supporting evidence, this alteration is interpreted as a disease-causing mutation.

Color Diagnostics, LLC DBA Color Health
Classification: Likely pathogenic for Hereditary cancer-predisposing syndrome. Last evaluated: 2024-09-13. Review status: criteria provided, single submitter. Criteria: ACMG Guidelines, 2015. Collection method: clinical testing. Allele origin: germline. Not counted in ClinVar's aggregate classification.
Comment: This variant causes a G>A nucleotide substitution at the +5 position of intron 5 of the ATM gene. This variant is also known as IVS7+5G>A in the literature. Splice site prediction tools suggest that this variant may have a significant impact on RNA splicing. RNA study on carrier-derived lymphoblastoid cells showed the skipping of exon 5, resulting in an in-frame deletion of 165 bases (PMID: 15054841), while ATM protein levels were reduced to less than 20% of wild-type (PMID: 15054841, 21778326). In a minigene assay, this variant resulted in a leaky splice effect with approximately 25% full length transcript, 36% in-frame skipping of exon 5, 33% out-of-frame skipping of exon 5 and exon 7, and 6% out-of-frame skipping of exon 7 (PMID: 35716007). Functional studies found moderate radial sensitivity and chromosomal instability (PMID: 15054841, 19535770) and severe disruption to kinase activity (PMID: 21778326). This variant has been observed in the compound heterozygous state with a known pathogenic variant, c.7875_7876delTGinsGC (p.Asp2625_Ala2626delinsGluPro), in at least two individuals affected with an atypical, attenuated form of ataxia-telangiectasia (PMID: 15054841, 19535770, 28126470, 30549301). This variant has also been observed with a pathogenic variant, c.7271T>G (p.Val2424Gly), in an individual affected with ataxia-telangiectasia (PMID: 37438524). This variant has not been identified in the general population by the Genome Aggregation Database (gnomAD). Based on the available evidence, this variant is classified as Likely Pathogenic.